The following is an entry in ClinVar:

NM_015650.4(TRAF3IP1):c.1552T>G (p.Ser518Ala)

Gene: TRAF3IP1 (TRAF3 interacting protein 1; plus strand). Cytogenetic location: 2q37.3.
Variant type: single nucleotide variant.
Coding change: c.1552T>G on transcript NM_015650.4 (MANE Select); coding-DNA position 1552, T replaced by G.
Protein change: p.Ser518Ala; replaces serine 518 with alanine.
Molecular consequence: missense variant.
Genome position (GRCh38, 1-based): chr2:238,352,927, T>G. VCF-style: chr2-238352927-T-G. GRCh37 (hg19) VCF-style: chr2-239261568-T-G.
Other names: c.1354T>G, p.Ser452Ala (NM_001139490.1); short protein forms S518A, S452A.
Identifiers: ClinVar variation 951121 (VCV000951121.8), dbSNP rs767282570, ClinGen allele CA2198478.

ClinVar aggregate classification (germline): Uncertain significance. Review status: criteria provided, multiple submitters, no conflicts (2 of 4 stars). 2 submissions from 2 submitters: Uncertain significance (2). Last evaluated 2025-08-23.

Conditions:
Inborn genetic diseases. Identifiers: MedGen C0950123, MeSH D030342.

Allele frequency attached by ClinVar (database versions not stated): ExAC 0.00001; gnomAD exomes 0.00001 and 0.00004.
gnomAD v4.1: 56 of 1,611,240 alleles (0.0035%); highest among the groups gnomAD compares: Non-Finnish European, 0.0047%; no homozygotes.

Submissions (2):

Ambry Genetics
Classification: Uncertain significance for Inborn genetic diseases. Last evaluated: 2025-08-23. Review status: criteria provided, single submitter. Criteria: Ambry Variant Classification Scheme 2023. Collection method: clinical testing. Allele origin: germline.

Labcorp Genetics (formerly Invitae), Labcorp
Classification: Uncertain significance. Last evaluated: 2022-02-03. Review status: criteria provided, single submitter. Criteria: Invitae Variant Classification Sherloc (09022015). Collection method: clinical testing. Allele origin: germline.
Comment: This sequence change replaces serine, which is neutral and polar, with alanine, which is neutral and non-polar, at codon 518 of the TRAF3IP1 protein (p.Ser518Ala). This variant is present in population databases (rs767282570, gnomAD 0.002%). This variant has not been reported in the literature in individuals affected with TRAF3IP1-related conditions. ClinVar contains an entry for this variant (Variation ID: 951121). Algorithms developed to predict the effect of missense changes on protein structure and function output the following: SIFT: "Tolerated"; PolyPhen-2: "Benign"; Align-GVGD: "Class C0". The alanine amino acid residue is found in multiple mammalian species, which suggests that this missense change does not adversely affect protein function. In summary, the available evidence is currently insufficient to determine the role of this variant in disease. Therefore, it has been classified as a Variant of Uncertain Significance.